The following is an entry in ClinVar:

NM_001037283.2(EIF3B):c.1948del (p.Glu650fs)

Gene: EIF3B (eukaryotic translation initiation factor 3 subunit B; plus strand). Cytogenetic location: 7p22.3.
Variant type: Deletion.
Coding change: c.1948del on transcript NM_001037283.2 (MANE Select); coding-DNA position 1948, one base deleted (G; older notation c.1948delG).
Protein change: p.Glu650fs; shifts the reading frame from glutamic acid 650.
Molecular consequence: frameshift variant.
Genome position (GRCh38, 1-based): chr7:2,375,447, G deleted. VCF-style (leftmost placement, unchanged base first): chr7-2375446-AG-A. GRCh37 (hg19) VCF-style: chr7-2415081-AG-A.
Other names: c.1948del, p.Glu650fs (NM_001362791.2, NM_003751.4); c.1132del, p.Glu378fs (NM_001362792.2, NM_001362793.2); short protein forms E378fs, E650fs.
Identifiers: ClinVar variation 4529729 (VCV004529729.1).

ClinVar aggregate classification (germline): Uncertain significance (1 of 4 stars; one submission).

Submission:

GeneDx
Classification: Uncertain significance. Last evaluated: 2024-02-21. Review status: criteria provided, single submitter. Criteria: GeneDx Variant Classification Process June 2021. Collection method: clinical testing. Allele origin: germline. Affected: yes.
Comment: Not observed at significant frequency in large population cohorts (gnomAD); Frameshift variant predicted to result in protein truncation or nonsense mediated decay in a gene or region of a gene for which loss of function is not a well-established mechanism of disease; Has not been previously published as pathogenic or benign to our knowledge; Variants in candidate genes are classified as variants of uncertain significance in accordance with ACMG guidelines (PMID: 25741868)